The following is an entry in ClinVar:

ClinVar aggregate classification (germline): Uncertain significance (1 of 4 stars; one submission).

Submission:

Ambry Genetics
Classification: Uncertain significance. Last evaluated: 2025-01-14. Review status: criteria provided, single submitter. Criteria: Ambry Variant Classification Scheme 2023. Collection method: clinical testing. Allele origin: germline.
Comment: The p.P229T variant (also known as c.685C>A), located in coding exon 5 of the RNF43 gene, results from a C to A substitution at nucleotide position 685. The proline at codon 229 is replaced by threonine, an amino acid with highly similar properties. This amino acid position is conserved. In addition, this alteration is predicted to be tolerated by in silico analysis. Based on the available evidence, the clinical significance of this variant remains unclear.

NM_017763.6(RNF43):c.685C>A (p.Pro229Thr)

Gene: RNF43 (ring finger protein 43; minus strand). Cytogenetic location: 17q22.
Variant type: single nucleotide variant.
Coding change: c.685C>A on transcript NM_017763.6 (MANE Select); coding-DNA position 685, C replaced by A.
Protein change: p.Pro229Thr; replaces proline 229 with threonine.
Molecular consequence: missense variant.
Genome position (GRCh38, 1-based): chr17:58,362,546, G>T on the plus strand (C>A on the coding strand, the complement: RNF43 is on the minus strand). VCF-style: chr17-58362546-G-T. GRCh37 (hg19) VCF-style: chr17-56439907-G-T.
Other names: c.685C>A, p.Pro229Thr (NM_001305544.3); c.304C>A, p.Pro102Thr (NM_001305545.2); short protein forms P229T, P102T.
Identifiers: ClinVar variation 3789900 (VCV003789900.1).